The following is an entry in ClinVar:

NM_022124.6(CDH23):c.4615G>T (p.Glu1539Ter)

Gene: CDH23 (cadherin related 23; plus strand). Cytogenetic location: 10q22.1.
Variant type: single nucleotide variant.
Coding change: c.4615G>T on transcript NM_022124.6 (MANE Select); coding-DNA position 4615, G replaced by T.
Protein change: p.Glu1539Ter; replaces glutamic acid 1539 with a stop codon.
Molecular consequence: nonsense.
Genome position (GRCh38, 1-based): chr10:71,740,948, G>T. VCF-style: chr10-71740948-G-T. GRCh37 (hg19) VCF-style: chr10-73500705-G-T.
Other names: short protein forms E1539*.
Identifiers: ClinVar variation 2711183 (VCV002711183.3), dbSNP rs2494218111, ClinGen allele CA377160817.

ClinVar aggregate classification (germline): Pathogenic (1 of 4 stars; one submission).

Submission:

Labcorp Genetics (formerly Invitae), Labcorp
Classification: Pathogenic. Last evaluated: 2024-01-24. Review status: criteria provided, single submitter. Criteria: Invitae Variant Classification Sherloc (09022015). Collection method: clinical testing. Allele origin: germline.
Comment: This sequence change creates a premature translational stop signal (p.Glu1539*) in the CDH23 gene. It is expected to result in an absent or disrupted protein product. Loss-of-function variants in CDH23 are known to be pathogenic (PMID: 11138009, 21940737). This variant is not present in population databases (gnomAD no frequency). This variant has not been reported in the literature in individuals affected with CDH23-related conditions. For these reasons, this variant has been classified as Pathogenic.

Literature cited by the submitters: PubMed 11138009; PubMed 21940737.